The following is an entry in ClinVar:

ClinVar aggregate classification (germline): Uncertain significance (1 of 4 stars; one submission).

Conditions:
Intellectual developmental disorder 61. Also called: MENTAL RETARDATION, AUTOSOMAL DOMINANT 61; INTELLECTUAL DEVELOPMENTAL DISORDER, AUTOSOMAL DOMINANT 61. Identifiers: MedGen C5231400, MONDO:0032485, OMIM 618009.

Submission:

Institute of Human Genetics, University of Leipzig Medical Center
Classification: Uncertain significance for Intellectual developmental disorder 61. Last evaluated: 2023-08-15. Review status: criteria provided, single submitter. Criteria: ACMG Guidelines, 2015. Collection method: clinical testing. Allele origin: unknown. Inheritance: Autosomal dominant inheritance. Affected: yes.
Comment: Criteria applied: PM2_SUP,PP3

NM_005121.3(MED13):c.6117G>A (p.Lys2039=)

Gene: MED13 (mediator complex subunit 13; minus strand). Cytogenetic location: 17q23.2.
Variant type: single nucleotide variant.
Coding change: c.6117G>A on transcript NM_005121.3 (MANE Select); coding-DNA position 6117, G replaced by A.
Protein change: p.Lys2039=; no amino-acid change (lysine 2039 retained).
Molecular consequence: synonymous variant.
Genome position (GRCh38, 1-based): chr17:61,952,965, C>T on the plus strand (G>A on the coding strand, the complement: MED13 is on the minus strand). VCF-style: chr17-61952965-C-T. GRCh37 (hg19) VCF-style: chr17-60030326-C-T.
Identifiers: ClinVar variation 2578440 (VCV002578440.2), dbSNP rs2509207125, ClinGen allele CA501154576.